The following is an entry in ClinVar:

ClinVar aggregate classification (germline): Uncertain significance. Review status: criteria provided, multiple submitters, no conflicts (2 of 4 stars). 4 submissions from 4 submitters: Uncertain significance (4). Last evaluated 2026-03-31.

Conditions:
TTN-related disorder. Also called: TTN-related condition; TTN-related disease; TTN-related disorders.
Autosomal recessive limb-girdle muscular dystrophy type 2J (LGMDR10). Also called: Limb-girdle muscular dystrophy, type 2J; MUSCULAR DYSTROPHY, LIMB-GIRDLE, AUTOSOMAL RECESSIVE 10. Identifiers: Orphanet 140922, MedGen C1837342, MONDO:0012127, OMIM 608807.
Dilated cardiomyopathy 1G (CMD1G). Identifiers: Orphanet 154, MedGen C1858763, MONDO:0011400, OMIM 604145.

Allele frequency attached by ClinVar (database versions not stated): gnomAD 0.00001; gnomAD exomes 0.00002 and 0.00006; TOPMed 0.00002; ExAC 0.00006.
gnomAD v4.1: 34 of 1,613,802 alleles (0.0021%); highest among the groups gnomAD compares: Admixed American, 0.018%; no homozygotes.

Submissions (4):

PreventionGenetics, part of Exact Sciences
Classification: Uncertain significance for TTN-related condition. Last evaluated: 2026-03-31. Review status: criteria provided, single submitter. Criteria: ACMG Guidelines, 2015. Collection method: clinical testing. Allele origin: germline.
Comment: The TTN c.105601G>A variant is predicted to result in the amino acid substitution p.Val35201Met. To our knowledge, this variant has not been reported in the literature. This variant is reported in 0.032% of alleles in individuals of Latino descent in gnomAD. At this time, the clinical significance of this variant is uncertain due to the absence of conclusive functional and genetic evidence.

Labcorp Genetics (formerly Invitae), Labcorp
Classification: Uncertain significance for Dilated cardiomyopathy 1G; Autosomal recessive limb-girdle muscular dystrophy type 2J. Last evaluated: 2025-09-24. Review status: criteria provided, single submitter. Criteria: Invitae Variant Classification Sherloc (09022015). Collection method: clinical testing. Allele origin: germline.
Comment: This sequence change replaces valine, which is neutral and non-polar, with methionine, which is neutral and non-polar, at codon 35201 of the TTN protein (p.Val35201Met). This variant is present in population databases (rs397517797, gnomAD 0.03%). This variant has not been reported in the literature in individuals affected with TTN-related conditions. ClinVar contains an entry for this variant (Variation ID: 47696). Experimental studies and prediction algorithms are not available or were not evaluated, and the functional significance of this variant is currently unknown. This variant is located in the M band of TTN (PMID: 25589632). Non-truncating variants in this region may be relevant for neuromuscular disorders, but have not been definitively shown to cause cardiomyopathy (PMID: 23975875). In summary, the available evidence is currently insufficient to determine the role of this variant in disease. Therefore, it has been classified as a Variant of Uncertain Significance.

Revvity Omics, Revvity
Classification: Uncertain significance. Last evaluated: 2019-03-04. Review status: criteria provided, single submitter. Criteria: ACMG Guidelines, 2015. Collection method: clinical testing. Allele origin: germline.

Laboratory for Molecular Medicine, Mass General Brigham Personalized Medicine
Classification: Uncertain significance. Last evaluated: 2012-08-21. Review status: criteria provided, single submitter. Criteria: LMM Criteria. Collection method: clinical testing. Allele origin: germline. Observed: 1 variant allele.
Comment: The Val32633Met variant in TTN has not been previously identified in our laborat ory or in the literature. Computational analyses (biochemical amino acid propert ies, conservation, AlignGVGD, PolyPhen2, and SIFT) do not provide strong support for or against an impact to the protein. Additional information is needed to fu lly assess the clinical significance of the Val32633Met variant.

Literature cited by the submitters: PubMed 25589632 (cited by Labcorp Genetics (formerly Invitae), Labcorp); PubMed 23975875 (cited by Labcorp Genetics (formerly Invitae), Labcorp).

NM_001267550.2(TTN):c.105601G>A (p.Val35201Met)

Genes: TTN (titin; minus strand), TTN-AS1 (TTN antisense RNA 1; plus strand), LOC129935183 (ATAC-STARR-seq lymphoblastoid active region 16808; plus strand). Cytogenetic location: 2q31.2.
Variant type: single nucleotide variant.
Coding change: c.105601G>A on transcript NM_001267550.2 (MANE Select); coding-DNA position 105601, G replaced by A.
Protein change: p.Val35201Met; replaces valine 35201 with methionine.
Molecular consequence: missense variant.
Genome position (GRCh38, 1-based): chr2:178,531,014, C>T on the plus strand (G>A on the coding strand, the complement: TTN is on the minus strand). VCF-style: chr2-178531014-C-T. GRCh37 (hg19) VCF-style: chr2-179395741-C-T.
Other names: c.97897G>A, p.Val32633Met (NM_133378.4); c.100678G>A, p.Val33560Met (NM_001256850.1); c.78406G>A, p.Val26136Met (NM_003319.4); c.78781G>A, p.Val26261Met (NM_133432.3); c.78982G>A, p.Val26328Met (NM_133437.4); short protein forms V35201M, V32633M, V26136M, V26328M, V33560M, V26261M.
Identifiers: ClinVar variation 47696 (VCV000047696.14), dbSNP rs397517797, ClinGen allele CA141735.
Genomic context (GRCh38, chr2:178,531,014, plus strand): 5'-CCTTTTGAATAGTCAGAGTGAACTCTGCTTCTTGTTTCCCTTCACTGTTTTCTACCACCA[C>T]GCTGTAATTGCCCTCATCGGAAGCCTGGACTGAAGAGATCTCAAAGGTTGATTTGTACTT-3'
Protein context (NP_001254479.2, residues 35191-35211): VQASDEGNYS[Val35201Met]VVENSEGKQE